The following is an entry in ClinVar:

NM_174936.4(PCSK9):c.1309A>T (p.Thr437Ser)

Gene: PCSK9 (proprotein convertase subtilisin/kexin type 9; plus strand). Cytogenetic location: 1p32.3.
Variant type: single nucleotide variant.
Coding change: c.1309A>T on transcript NM_174936.4 (MANE Select); coding-DNA position 1309, A replaced by T.
Protein change: p.Thr437Ser; replaces threonine 437 with serine.
Molecular consequence: missense variant.
Genome position (GRCh38, 1-based): chr1:55,058,164, A>T. VCF-style: chr1-55058164-A-T. GRCh37 (hg19) VCF-style: chr1-55523837-A-T.
Other names: short protein forms T437S.
Identifiers: ClinVar variation 926915 (VCV000926915.5), dbSNP rs1644730429, ClinGen allele CA340477497.
Genomic context (GRCh38, chr1:55,058,164, plus strand): 5'-CACTTCTCTGCCAAAGATGTCATCAATGAGGCCTGGTTCCCTGAGGACCAGCGGGTACTG[A>T]CCCCCAACCTGGTGGCCGCCCTGCCCCCCAGCACCCATGGGGCAGGTAAGCAGGATGGCA-3'
Protein context (NP_777596.2, residues 427-447): AWFPEDQRVL[Thr437Ser]PNLVAALPPS

ClinVar aggregate classification (germline): Uncertain significance (1 of 4 stars; one submission).

Conditions:
Familial hypercholesterolemia. Also called: Familial hypercholesterolaemia. Identifiers: MedGen C0020445, MONDO:0005439.

Submission:

Color Diagnostics, LLC DBA Color Health
Classification: Uncertain significance for Familial hypercholesterolemia. Last evaluated: 2023-12-04. Review status: criteria provided, single submitter. Criteria: ACMG Guidelines, 2015. Collection method: clinical testing. Allele origin: germline.
Comment: This missense variant replaces threonine with serine at codon 437 of the PCSK9 protein. Computational prediction tools and conservation analyses are inconclusive regarding the impact of this variant on protein structure and function. Splice site prediction tools suggest that this variant may not impact RNA splicing. To our knowledge, functional studies have not been performed for this variant. This variant has not been reported in individuals affected with familial hypercholesterolemia in the literature. This variant has not been identified in the general population by the Genome Aggregation Database (gnomAD). The available evidence is insufficient to determine the role of this variant in disease conclusively. Therefore, this variant is classified as a Variant of Uncertain Significance.